The following is an entry in ClinVar:

NM_198994.3(TGM6):c.1337-13T>C

Gene: TGM6 (transglutaminase 6; plus strand). Cytogenetic location: 20p13.
Variant type: single nucleotide variant.
Coding change: c.1337-13T>C on transcript NM_198994.3 (MANE Select); 13 bases into the intron before coding-DNA position 1337, T replaced by C.
Molecular consequence: intron variant.
Genome position (GRCh38, 1-based): chr20:2,417,219, T>C. VCF-style: chr20-2417219-T-C. GRCh37 (hg19) VCF-style: chr20-2397865-T-C.
Other names: c.1337-13T>C (NM_001254734.2).
Identifiers: ClinVar variation 2011878 (VCV002011878.4), dbSNP rs2514390573, ClinGen allele CA2580098064.

ClinVar aggregate classification (germline): Uncertain significance (1 of 4 stars; one submission).

Submission:

Labcorp Genetics (formerly Invitae), Labcorp
Classification: Uncertain significance. Last evaluated: 2022-08-12. Review status: criteria provided, single submitter. Criteria: Invitae Variant Classification Sherloc (09022015). Collection method: clinical testing. Allele origin: germline.
Comment: This sequence change falls in intron 9 of the TGM6 gene. It does not directly change the encoded amino acid sequence of the TGM6 protein. This variant is not present in population databases (gnomAD no frequency). This variant has not been reported in the literature in individuals affected with TGM6-related conditions. Algorithms developed to predict the effect of sequence changes on RNA splicing suggest that this variant may create or strengthen a splice site. In summary, the available evidence is currently insufficient to determine the role of this variant in disease. Therefore, it has been classified as a Variant of Uncertain Significance.